The following is an entry in ClinVar:

NM_001852.4(COL9A2):c.398T>C (p.Ile133Thr)

Gene: COL9A2 (collagen type IX alpha 2 chain; minus strand). Cytogenetic location: 1p34.2.
Variant type: single nucleotide variant.
Coding change: c.398T>C on transcript NM_001852.4 (MANE Select); coding-DNA position 398, T replaced by C.
Protein change: p.Ile133Thr; replaces isoleucine 133 with threonine.
Molecular consequence: missense variant.
Genome position (GRCh38, 1-based): chr1:40,312,078, A>G on the plus strand (T>C on the coding strand, the complement: COL9A2 is on the minus strand). VCF-style: chr1-40312078-A-G. GRCh37 (hg19) VCF-style: chr1-40777750-A-G.
Other names: c.398T>C (NM_001852.3); short protein forms I133T.
Identifiers: ClinVar variation 1442161 (VCV001442161.9), dbSNP rs148136289, ClinGen allele CA791958.
Genomic context (GRCh38, chr1:40,312,078, plus strand): 5'-AGAAGGCAGGAGGCAGTGAACAGAGGGTGGCTGAGGCTCACCTTGGGGCCTCGGATTCCA[A>G]TCTCACCAGGGAGGCCAACAGGTCCAGGAGGCCCCTGGGGAGCAGAGAGTTGATGGTCAG-3'
Protein context (NP_001843.1, residues 123-143): PPGPVGLPGE[Ile133Thr]GIRGPKGDPG

ClinVar aggregate classification (germline): Uncertain significance. Review status: criteria provided, multiple submitters, no conflicts (2 of 4 stars). 4 submissions from 4 submitters: Uncertain significance (4). Last evaluated 2025-12-30.

Conditions:
COL9A2-related disorder. Also called: COL9A2-related condition.
Inborn genetic diseases. Identifiers: MedGen C0950123, MeSH D030342.

Allele frequency attached by ClinVar (database versions not stated): gnomAD exomes 0.00002 and 0.00003; gnomAD 0.00003; TOPMed 0.00006; ExAC 0.00008; ESP Exome Variant Server 0.00008; 1000 Genomes Project 0.00020; 1000 Genomes Project 30x 0.00031.
gnomAD v4.1: 43 of 1,602,356 alleles (0.0027%); highest among the groups gnomAD compares: African/African-American, 0.015%; no homozygotes.

Submissions (4):

Labcorp Genetics (formerly Invitae), Labcorp
Classification: Uncertain significance. Last evaluated: 2025-12-30. Review status: criteria provided, single submitter. Criteria: Invitae Variant Classification Sherloc (09022015). Collection method: clinical testing. Allele origin: germline.
Comment: This sequence change replaces isoleucine, which is neutral and non-polar, with threonine, which is neutral and polar, at codon 133 of the COL9A2 protein (p.Ile133Thr). This variant is present in population databases (rs148136289, gnomAD 0.02%). This variant has not been reported in the literature in individuals affected with COL9A2-related conditions. ClinVar contains an entry for this variant (Variation ID: 1442161). Invitae Evidence Modeling of protein sequence and biophysical properties (such as structural, functional, and spatial information, amino acid conservation, physicochemical variation, residue mobility, and thermodynamic stability) indicates that this missense variant is not expected to disrupt COL9A2 protein function with a negative predictive value of 95%. In summary, the available evidence is currently insufficient to determine the role of this variant in disease. Therefore, it has been classified as a Variant of Uncertain Significance.

PreventionGenetics, part of Exact Sciences
Classification: Uncertain significance for COL9A2-related condition. Last evaluated: 2025-01-01. Review status: criteria provided, single submitter. Criteria: ACMG Guidelines, 2015. Collection method: clinical testing. Allele origin: germline.
Comment: The COL9A2 c.398T>C variant is predicted to result in the amino acid substitution p.Ile133Thr. To our knowledge, this variant has not been reported in the literature. This variant is reported in 0.018% of alleles in individuals of East Asian descent in gnomAD. At this time, the clinical significance of this variant is uncertain due to the absence of conclusive functional and genetic evidence.

Blueprint Genetics
Classification: Uncertain significance. Last evaluated: 2024-11-20. Review status: criteria provided, single submitter. Criteria: ACMG Guidelines, 2015. Collection method: clinical testing. Allele origin: germline.

Ambry Genetics
Classification: Uncertain significance for Inborn genetic diseases. Last evaluated: 2023-12-14. Review status: criteria provided, single submitter. Criteria: Ambry Variant Classification Scheme 2023. Collection method: clinical testing. Allele origin: germline.